The following is an entry in ClinVar:

NM_001271.4(CHD2):c.1901T>C (p.Ile634Thr)

Gene: CHD2 (chromodomain helicase DNA binding protein 2; plus strand). Cytogenetic location: 15q26.1.
Variant type: single nucleotide variant.
Coding change: c.1901T>C on transcript NM_001271.4 (MANE Select); coding-DNA position 1901, T replaced by C.
Protein change: p.Ile634Thr; replaces isoleucine 634 with threonine.
Molecular consequence: missense variant.
Genome position (GRCh38, 1-based): chr15:92,956,550, T>C. VCF-style: chr15-92956550-T-C. GRCh37 (hg19) VCF-style: chr15-93499780-T-C.
Other names: short protein forms I634T.
Identifiers: ClinVar variation 574837 (VCV000574837.12), dbSNP rs757715547, ClinGen allele CA7747892.

ClinVar aggregate classification (germline): Uncertain significance (1 of 4 stars; one submission).

Conditions:
Developmental and epileptic encephalopathy 94 (DEE94). Also called: CHD2-Related Neurodevelopmental Disorders; Epileptic encephalopathy, childhood-onset. Identifiers: Orphanet 1942, Orphanet 2382, MedGen C3809278, MONDO:0014150, OMIM 615369.

Allele frequency attached by ClinVar (database versions not stated): gnomAD exomes below 0.00001 and 0.00001; TOPMed below 0.00001; ExAC 0.00002.

Submission:

Labcorp Genetics (formerly Invitae), Labcorp
Classification: Uncertain significance for Developmental and epileptic encephalopathy 94. Last evaluated: 2020-12-11. Review status: criteria provided, single submitter. Criteria: Invitae Variant Classification Sherloc (09022015). Collection method: clinical testing. Allele origin: germline.
Comment: In summary, the available evidence is currently insufficient to determine the role of this variant in disease. Therefore, it has been classified as a Variant of Uncertain Significance. Algorithms developed to predict the effect of missense changes on protein structure and function are either unavailable or do not agree on the potential impact of this missense change (SIFT: "Deleterious"; PolyPhen-2: "Benign"; Align-GVGD: "Class C65"). This variant has been observed in individual(s) with clinical features of childhood-onset epileptic encephalopathy (Invitae). ClinVar contains an entry for this variant (Variation ID: 574837). This variant is present in population databases (rs757715547, ExAC 0.004%). This sequence change replaces isoleucine with threonine at codon 634 of the CHD2 protein (p.Ile634Thr). The isoleucine residue is highly conserved and there is a moderate physicochemical difference between isoleucine and threonine.